The following is an entry in ClinVar:

ClinVar aggregate classification (germline): Likely benign. Review status: criteria provided, multiple submitters, no conflicts (2 of 4 stars). 4 submissions from 4 submitters: Likely benign (4). Last evaluated 2026-04-01.

Conditions:
Developmental and epileptic encephalopathy 91. Also called: EPILEPTIC ENCEPHALOPATHY, INFANTILE OR EARLY CHILDHOOD, 1. Identifiers: MedGen C4540199, MONDO:0020630, OMIM 617711.
Arthrogryposis, cleft palate, craniosynostosis, and impaired intellectual development. Identifiers: Orphanet 565858, MedGen C4748872, MONDO:0032642, OMIM 618265.

Allele frequency attached by ClinVar (database versions not stated): gnomAD 0.00007 and 0.00009; gnomAD exomes 0.00007; TOPMed 0.00007; ExAC 0.00009; 1000 Genomes Project 30x 0.00047; 1000 Genomes Project 0.00060.
gnomAD v4.1: 112 of 1,597,252 alleles (0.007%); highest among the groups gnomAD compares: Non-Finnish European, 0.0092%; no homozygotes.

Submissions (4):

CeGaT Center for Human Genetics Tuebingen
Classification: Likely benign. Last evaluated: 2026-04-01. Review status: criteria provided, single submitter. Criteria: CeGaT Center For Human Genetics Tuebingen Variant Classification Criteria Version 2. Collection method: clinical testing. Allele origin: germline. Affected: yes. Observed: 4 variant alleles.
Comment: PPP3CA: BP4, BP7

Labcorp Genetics (formerly Invitae), Labcorp
Classification: Likely benign. Last evaluated: 2026-02-02. Review status: criteria provided, single submitter. Criteria: Invitae Variant Classification Sherloc (09022015). Collection method: clinical testing. Allele origin: germline.

Blueprint Genetics
Classification: Likely benign. Last evaluated: 2024-11-21. Review status: criteria provided, single submitter. Criteria: ACMG Guidelines, 2015. Collection method: clinical testing. Allele origin: germline.

Fulgent Genetics
Classification: Likely benign for Developmental and epileptic encephalopathy 91; Arthrogryposis, cleft palate, craniosynostosis, and impaired intellectual development. Last evaluated: 2021-08-02. Review status: criteria provided, single submitter. Criteria: ACMG Guidelines, 2015. Collection method: clinical testing. Allele origin: unknown.

NM_000944.5(PPP3CA):c.1389A>G (p.Pro463=)

Gene: PPP3CA (protein phosphatase 3 catalytic subunit alpha; minus strand). Cytogenetic location: 4q24.
Variant type: single nucleotide variant.
Coding change: c.1389A>G on transcript NM_000944.5 (MANE Select); coding-DNA position 1389, A replaced by G.
Protein change: p.Pro463=; no amino-acid change (proline 463 retained).
Molecular consequence: synonymous variant.
Genome position (GRCh38, 1-based): chr4:101,026,042, T>C on the plus strand (A>G on the coding strand, the complement: PPP3CA is on the minus strand). VCF-style: chr4-101026042-T-C. GRCh37 (hg19) VCF-style: chr4-101947199-T-C.
Other names: c.1359A>G, p.Pro453= (NM_001130691.2); c.1233A>G, p.Pro411= (NM_001130692.2).
Identifiers: ClinVar variation 1649507 (VCV001649507.34), dbSNP rs200900879, ClinGen allele CA3024234.